The following is an entry in ClinVar:

NM_176787.5(PIGN):c.2485G>A (p.Ala829Thr)

Gene: PIGN (phosphatidylinositol glycan anchor biosynthesis class N; minus strand). Cytogenetic location: 18q21.33.
Variant type: single nucleotide variant.
Coding change: c.2485G>A on transcript NM_176787.5 (MANE Select); coding-DNA position 2485, G replaced by A.
Protein change: p.Ala829Thr; replaces alanine 829 with threonine.
Molecular consequence: missense variant.
Genome position (GRCh38, 1-based): chr18:62,084,548, C>T on the plus strand (G>A on the coding strand, the complement: PIGN is on the minus strand). VCF-style: chr18-62084548-C-T. GRCh37 (hg19) VCF-style: chr18-59751781-C-T.
Other names: c.2485G>A, p.Ala829Thr (NM_012327.6); short protein forms A829T.
Identifiers: ClinVar variation 581762 (VCV000581762.8), dbSNP rs1365364213, ClinGen allele CA402601224.
Genomic context (GRCh38, chr18:62,084,548, plus strand): 5'-TCAATCAATAGCTTAAGACAAATAACAAAATAAGAAAACTAACCTTCCACATCATCAGGG[C>T]TCCCATCATAAAAGGACTGAACACAGTCAGAAAGCAATAGACAGAGGCAAGATCAAAGCT-3'
Protein context (NP_789744.1, residues 819-839): LTVFSPFMMG[Ala829Thr]LMMWKILIPF

ClinVar aggregate classification (germline): Uncertain significance. Review status: criteria provided, multiple submitters, no conflicts (2 of 4 stars). 2 submissions from 2 submitters: Uncertain significance (2). Last evaluated 2023-03-01.

Conditions:
Inborn genetic diseases. Identifiers: MedGen C0950123, MeSH D030342.
Multiple congenital anomalies-hypotonia-seizures syndrome 1 (MCAHS1). Also called: GLYCOSYLPHOSPHATIDYLINOSITOL BIOSYNTHESIS DEFECT 3; PIGN-CDG; Congenital disorder of glycosylation due to PIGN deficiency. Identifiers: Orphanet 280633, MedGen C3279775, MONDO:0013563, OMIM 614080.

gnomAD v4.1: 5 of 1,552,480 alleles (0.00032%); highest among the groups gnomAD compares: Non-Finnish European, 0.00044%; no homozygotes.

Submissions (2):

Ambry Genetics
Classification: Uncertain significance for Inborn genetic diseases. Last evaluated: 2023-03-01. Review status: criteria provided, single submitter. Criteria: Ambry Variant Classification Scheme 2023. Collection method: clinical testing. Allele origin: germline.

Labcorp Genetics (formerly Invitae), Labcorp
Classification: Uncertain significance for Multiple congenital anomalies-hypotonia-seizures syndrome 1. Last evaluated: 2018-05-17. Review status: criteria provided, single submitter. Criteria: Invitae Variant Classification Sherloc (09022015). Collection method: clinical testing. Allele origin: germline.
Comment: This sequence change replaces alanine with threonine at codon 829 of the PIGN protein (p.Ala829Thr). The alanine residue is moderately conserved and there is a small physicochemical difference between alanine and threonine. This variant is not present in population databases (ExAC no frequency). This variant has not been reported in the literature in individuals with PIGN-related disease. Algorithms developed to predict the effect of missense changes on protein structure and function (SIFT, PolyPhen-2, Align-GVGD) all suggest that this variant is likely to be tolerated, but these predictions have not been confirmed by published functional studies and their clinical significance is uncertain. In summary, the available evidence is currently insufficient to determine the role of this variant in disease. Therefore, it has been classified as a Variant of Uncertain Significance.